The following is an entry in ClinVar:

ClinVar aggregate classification (germline): Uncertain significance. Review status: criteria provided, multiple submitters, no conflicts (2 of 4 stars). 3 submissions from 3 submitters: Uncertain significance (3). Last evaluated 2026-10-02.

Conditions:
USH2A-related disorder. Also called: USH2A-related condition; USH2A-related disorders. Identifiers: MedGen CN239332.

gnomAD v4.1: 14 of 1,613,380 alleles (0.00087%); highest among the groups gnomAD compares: Admixed American, 0.005%; no homozygotes.

Submissions (3):

GeneDx
Classification: Uncertain significance. Last evaluated: 2026-10-02. Review status: criteria provided, single submitter. Criteria: GeneDx Variant Classification Process June 2021. Collection method: clinical testing. Allele origin: germline.
Comment: Not observed at significant frequency in large population cohorts (gnomAD); In silico analysis suggests that this missense variant does not alter protein structure/function; Has not been previously published as pathogenic or benign to our knowledge

PreventionGenetics, part of Exact Sciences
Classification: Uncertain significance for USH2A-related condition. Last evaluated: 2025-05-12. Review status: criteria provided, single submitter. Criteria: ACMG Guidelines, 2015. Collection method: clinical testing. Allele origin: germline.
Comment: The USH2A c.11569A>G variant is predicted to result in the amino acid substitution p.Arg3857Gly. To our knowledge, this variant has not been reported in the literature or in a large population database (gnomAD), indicating this variant is rare. At this time, the clinical significance of this variant is uncertain due to the absence of conclusive functional and genetic evidence.

Blueprint Genetics
Classification: Uncertain significance. Last evaluated: 2021-09-01. Review status: criteria provided, single submitter. Criteria: ACMG Guidelines, 2015. Collection method: clinical testing. Allele origin: germline.

NM_206933.4(USH2A):c.11569A>G (p.Arg3857Gly)

Gene: USH2A (usherin; minus strand). Cytogenetic location: 1q41.
Variant type: single nucleotide variant.
Coding change: c.11569A>G on transcript NM_206933.4 (MANE Select); coding-DNA position 11569, A replaced by G.
Protein change: p.Arg3857Gly; replaces arginine 3857 with glycine.
Molecular consequence: missense variant.
Genome position (GRCh38, 1-based): chr1:215,741,517, T>C on the plus strand (A>G on the coding strand, the complement: USH2A is on the minus strand). VCF-style: chr1-215741517-T-C. GRCh37 (hg19) VCF-style: chr1-215914859-T-C.
Other names: short protein forms R3857G.
Identifiers: ClinVar variation 3730908 (VCV003730908.4).
Genomic context (GRCh38, chr1:215,741,517, plus strand): 5'-CCTTAAGAACAGGAGAATTAAGATCCATTGGGGCTGCTTCAGGTGTTTTGACAAACATCC[T>C]ACTGCTAACTCCACAACTTCCTTGAAAAAAAAAAAATTGAGGTCTTTATTATTTTTCAAG-3'
Protein context (NP_996816.3, residues 3847-3867): CQNGSCGVSS[Arg3857Gly]MFVKTPEAAP